The following is an entry in ClinVar:

NM_030777.4(SLC2A10):c.1132C>G (p.Pro378Ala)

Gene: SLC2A10 (solute carrier family 2 member 10; plus strand). Cytogenetic location: 20q13.12.
Variant type: single nucleotide variant.
Coding change: c.1132C>G on transcript NM_030777.4 (MANE Select); coding-DNA position 1132, C replaced by G.
Protein change: p.Pro378Ala; replaces proline 378 with alanine.
Molecular consequence: missense variant.
Genome position (GRCh38, 1-based): chr20:46,726,168, C>G. VCF-style: chr20-46726168-C-G. GRCh37 (hg19) VCF-style: chr20-45354807-C-G.
Other names: short protein forms P378A.
Identifiers: ClinVar variation 2132122 (VCV002132122.4), dbSNP rs928597934, ClinGen allele CA409269309.

ClinVar aggregate classification (germline): Uncertain significance (1 of 4 stars; one submission).

Conditions:
Arterial tortuosity syndrome (ATORS). Identifiers: Orphanet 3342, MedGen C1859726, MONDO:0008818, OMIM 208050.

Submission:

Labcorp Genetics (formerly Invitae), Labcorp
Classification: Uncertain significance for Arterial tortuosity syndrome. Last evaluated: 2022-04-30. Review status: criteria provided, single submitter. Criteria: Invitae Variant Classification Sherloc (09022015). Collection method: clinical testing. Allele origin: germline.
Comment: This sequence change replaces proline, which is neutral and non-polar, with alanine, which is neutral and non-polar, at codon 378 of the SLC2A10 protein (p.Pro378Ala). This variant is not present in population databases (gnomAD no frequency). This variant has not been reported in the literature in individuals affected with SLC2A10-related conditions. In summary, the available evidence is currently insufficient to determine the role of this variant in disease. Therefore, it has been classified as a Variant of Uncertain Significance. Advanced modeling of protein sequence and biophysical properties (such as structural, functional, and spatial information, amino acid conservation, physicochemical variation, residue mobility, and thermodynamic stability) performed at Invitae indicates that this missense variant is not expected to disrupt SLC2A10 protein function.